The following is an entry in ClinVar:

NM_020975.6(RET):c.1232C>G (p.Ser411Cys)

Gene: RET (ret proto-oncogene; plus strand). Cytogenetic location: 10q11.21.
Variant type: single nucleotide variant.
Coding change: c.1232C>G on transcript NM_020975.6 (MANE Select); coding-DNA position 1232, C replaced by G.
Protein change: p.Ser411Cys; replaces serine 411 with cysteine.
Molecular consequence: missense variant.
Genome position (GRCh38, 1-based): chr10:43,109,199, C>G. VCF-style: chr10-43109199-C-G. GRCh37 (hg19) VCF-style: chr10-43604647-C-G.
Other names: c.1232C>G, p.Ser411Cys (NM_000323.2, NM_001406743.1, NM_001406744.1 and 6 more transcripts); c.470C>G, p.Ser157Cys (NM_001355216.2); c.1103C>G, p.Ser368Cys (NM_001406761.1, NM_001406762.1, NM_001406764.1 and 1 more transcripts); c.944C>G, p.Ser315Cys (NM_001406766.1, NM_001406767.1, NM_001406770.1); c.794C>G, p.Ser265Cys (NM_001406771.1, NM_001406773.1); c.506C>G, p.Ser169Cys (NM_001406775.1, NM_001406776.1, NM_001406777.1 and 1 more transcripts); c.242C>G, p.Ser81Cys (NM_001406784.1); short protein forms S157C, S411C, S315C, S368C, S81C, S265C, S169C.
Identifiers: ClinVar variation 1327060 (VCV001327060.9), dbSNP rs2132746693, ClinGen allele CA376547949.

ClinVar aggregate classification (germline): Conflicting classifications of pathogenicity. Review status: criteria provided, conflicting classifications (1 of 4 stars). 3 submissions from 3 submitters: Uncertain significance (2); Likely benign (1). Last evaluated 2025-06-09.

Conditions:
Hereditary cancer-predisposing syndrome. Also called: Neoplastic Syndromes, Hereditary; Tumor predisposition; Hereditary Cancer Syndrome; Hereditary neoplastic syndrome. Identifiers: Orphanet 140162, MedGen C0027672, MeSH D009386, MONDO:0015356.
Familial medullary thyroid carcinoma (MTC). Also called: Familial Medullary Thyroid Carcinoma (FMTC); Thyroid cancer, familial medullary; MTC, familial. Identifiers: Orphanet 653, Orphanet 99361, MedGen C1833921, MONDO:0007958, OMIM 155240.
Multiple endocrine neoplasia, type 2 (MEN2). Identifiers: Orphanet 653, MedGen C4048306, MONDO:0019003. Disease mechanism: gain of function.

Submissions (3):

Ambry Genetics
Classification: Likely benign for Hereditary cancer-predisposing syndrome. Last evaluated: 2025-06-09. Review status: criteria provided, single submitter. Criteria: Ambry Variant Classification Scheme 2023. Collection method: clinical testing. Allele origin: germline.

Labcorp Genetics (formerly Invitae), Labcorp
Classification: Uncertain significance for Multiple endocrine neoplasia, type 2. Last evaluated: 2023-11-01. Review status: criteria provided, single submitter. Criteria: Invitae Variant Classification Sherloc (09022015). Collection method: clinical testing. Allele origin: germline.
Comment: This sequence change replaces serine, which is neutral and polar, with cysteine, which is neutral and slightly polar, at codon 411 of the RET protein (p.Ser411Cys). This variant is not present in population databases (gnomAD no frequency). This variant has not been reported in the literature in individuals affected with RET-related conditions. ClinVar contains an entry for this variant (Variation ID: 1327060). An algorithm developed to predict the effect of missense changes on protein structure and function (PolyPhen-2) suggests that this variant is likely to be disruptive. In summary, the available evidence is currently insufficient to determine the role of this variant in disease. Therefore, it has been classified as a Variant of Uncertain Significance.

Baylor Genetics
Classification: Uncertain significance for Familial medullary thyroid carcinoma. Last evaluated: 2021-05-25. Review status: criteria provided, single submitter. Criteria: ACMG Guidelines, 2015. Collection method: clinical testing. Allele origin: unknown. Affected: yes. Study: CSER-TexasKidsCanSeq.
Comment: This variant was determined to be of uncertain significance according to ACMG Guidelines, 2015 [PMID:25741868].